The following is an entry in ClinVar:

NM_182641.4(BPTF):c.1628G>A (p.Gly543Asp)

Gene: BPTF (bromodomain PHD finger transcription factor; plus strand). Cytogenetic location: 17q24.2.
Variant type: single nucleotide variant.
Coding change: c.1628G>A on transcript NM_182641.4 (MANE Select); coding-DNA position 1628, G replaced by A.
Protein change: p.Gly543Asp; replaces glycine 543 with aspartic acid.
Molecular consequence: missense variant.
Genome position (GRCh38, 1-based): chr17:67,866,655, G>A. VCF-style: chr17-67866655-G-A. GRCh37 (hg19) VCF-style: chr17-65862771-G-A.
Other names: c.1628G>A, p.Gly543Asp (NM_004459.7); short protein forms G543D.
Identifiers: ClinVar variation 1172557 (VCV001172557.1), dbSNP rs1420785504, ClinGen allele CA400714064.

ClinVar aggregate classification (germline): Uncertain significance (1 of 4 stars; one submission).

Conditions:
Neurodevelopmental disorder with dysmorphic facies and distal limb anomalies. Identifiers: Orphanet 686482, MedGen C4540327, MONDO:0060596, OMIM 617755.

Allele frequency attached by ClinVar (database versions not stated): TOPMed below 0.00001.

Submission:

HudsonAlpha Institute for Biotechnology
Classification: Uncertain significance for Neurodevelopmental disorder with dysmorphic facies and distal limb anomalies. Last evaluated: 2021-05-26. Review status: criteria provided, single submitter. Criteria: ACMG Guidelines, 2015. Collection method: research. Allele origin: inherited. Observed: 1 variant allele. Study: CSER-SouthSeq.
Comment: ACMG codes:PM2; PP3